The following is an entry in ClinVar:

ClinVar aggregate classification (germline): Uncertain significance (1 of 4 stars; one submission).

Conditions:
PLXNA2-related disorder. Also called: PLXNA2-related condition.

gnomAD v4.1: 7 of 1,614,118 alleles (0.00043%); highest among the groups gnomAD compares: Non-Finnish European, 0.00051%; no homozygotes.

Submission:

PreventionGenetics, part of Exact Sciences
Classification: Uncertain significance for PLXNA2-related condition. Last evaluated: 2026-07-28. Review status: criteria provided, single submitter. Criteria: ACMG Guidelines, 2015. Collection method: clinical testing. Allele origin: germline.
Comment: The PLXNA2 c.2831A>C variant is predicted to result in the amino acid substitution p.Lys944Thr. To our knowledge, this variant has not been reported in the literature or in a large population database (gnomAD), indicating this variant is rare. At this time, the clinical significance of this variant is uncertain due to the absence of conclusive functional and genetic evidence.

NM_025179.4(PLXNA2):c.2831A>C (p.Lys944Thr)

Gene: PLXNA2 (plexin A2; minus strand). Cytogenetic location: 1q32.2.
Variant type: single nucleotide variant.
Coding change: c.2831A>C on transcript NM_025179.4 (MANE Select); coding-DNA position 2831, A replaced by C.
Protein change: p.Lys944Thr; replaces lysine 944 with threonine.
Molecular consequence: missense variant.
Genome position (GRCh38, 1-based): chr1:208,054,446, T>G on the plus strand (A>C on the coding strand, the complement: PLXNA2 is on the minus strand). VCF-style: chr1-208054446-T-G. GRCh37 (hg19) VCF-style: chr1-208227791-T-G.
Other names: short protein forms K944T.
Identifiers: ClinVar variation 4981224 (VCV004981224.1).